The following is an entry in ClinVar:

NM_018082.6(POLR3B):c.466G>A (p.Ala156Thr)

Gene: POLR3B (RNA polymerase III subunit B; plus strand). Cytogenetic location: 12q23.3.
Variant type: single nucleotide variant.
Coding change: c.466G>A on transcript NM_018082.6 (MANE Select); coding-DNA position 466, G replaced by A.
Protein change: p.Ala156Thr; replaces alanine 156 with threonine.
Molecular consequence: missense variant.
Genome position (GRCh38, 1-based): chr12:106,376,420, G>A. VCF-style: chr12-106376420-G-A. GRCh37 (hg19) VCF-style: chr12-106770198-G-A.
Other names: c.292G>A, p.Ala98Thr (NM_001160708.2); short protein forms A156T, A98T.
Identifiers: ClinVar variation 3602319 (VCV003602319.1).
Genomic context (GRCh38, chr12:106,376,420, plus strand): 5'-ATGCCCATAATGCTACGTAGTTCAAACTGTGTTCTTACAGGAAAAACGCCAGCAGAATTT[G>A]CCAAACTGAACGAATGTCCCTTAGATCCAGGTATGTGTGAAGTCTTGGATTTGTCCCACT-3'
Protein context (NP_060552.4, residues 146-166): VLTGKTPAEF[Ala156Thr]KLNECPLDPG

ClinVar aggregate classification (germline): Uncertain significance (1 of 4 stars; one submission).

Submission:

GeneDx
Classification: Uncertain significance. Last evaluated: 2024-07-30. Review status: criteria provided, single submitter. Criteria: GeneDx Variant Classification Process June 2021. Collection method: clinical testing. Allele origin: germline. Affected: yes.
Comment: In silico analysis supports that this missense variant has a deleterious effect on protein structure/function; Has not been previously published as pathogenic or benign to our knowledge